The following is an entry in ClinVar:

NM_001135022.2(ELMOD3):c.254T>G (p.Ile85Ser)

Gene: ELMOD3 (ELMO domain containing 3; plus strand). Cytogenetic location: 2p11.2.
Variant type: single nucleotide variant.
Coding change: c.254T>G on transcript NM_001135022.2 (MANE Select); coding-DNA position 254, T replaced by G.
Protein change: p.Ile85Ser; replaces isoleucine 85 with serine.
Molecular consequence: missense variant. On other transcripts: non-coding transcript variant (3).
Genome position (GRCh38, 1-based): chr2:85,368,740, T>G. VCF-style: chr2-85368740-T-G. GRCh37 (hg19) VCF-style: chr2-85595863-T-G.
Other names: c.254T>G, p.Ile85Ser (NM_001135021.2, NM_001135023.2, NM_001329791.2 and 2 more transcripts); c.254T>G (NM_001135021.1); short protein forms I85S.
Identifiers: ClinVar variation 1582334 (VCV001582334.11), dbSNP rs139481126, ClinGen allele CA1740267.
Genomic context (GRCh38, chr2:85,368,740, plus strand): 5'-TTGCAGTTGTGAGTACAGAGGTGGTCAGAGCCCAAGAAGAATGGGAAGCTGTGGACACCA[T>G]CCAGCCAGAGACAGGTAACTGTACGAATGCTGCTGTCTCCCCATAGCCCCTCTGCCAGCA-3'
Protein context (NP_001128494.1, residues 75-95): AQEEWEAVDT[Ile85Ser]QPETGSQASS

ClinVar aggregate classification (germline): Likely benign. Review status: criteria provided, multiple submitters, no conflicts (2 of 4 stars). 3 submissions from 3 submitters: Likely benign (2). 1 of the submissions does not count toward it. Last evaluated 2026-01-20.

Conditions:
ELMOD3-related disorder. Also called: ELMOD3-related condition.

Allele frequency attached by ClinVar (database versions not stated): gnomAD exomes 0.00104 and 0.00132; gnomAD 0.00105 and 0.00100; ESP Exome Variant Server 0.00115; ExAC 0.00120; 1000 Genomes Project 0.00020; 1000 Genomes Project 30x 0.00031; TOPMed 0.00083.
gnomAD v4.1: 2,067 of 1,614,156 alleles (0.13%); highest among the groups gnomAD compares: Non-Finnish European, 0.16%; 4 homozygotes.

Submissions (3):

Labcorp Genetics (formerly Invitae), Labcorp
Classification: Likely benign. Last evaluated: 2026-01-20. Review status: criteria provided, single submitter. Criteria: Invitae Variant Classification Sherloc (09022015). Collection method: clinical testing. Allele origin: germline.

Breakthrough Genomics
Classification: Likely benign. Review status: criteria provided, single submitter. Criteria: ACMG Guidelines, 2015. Collection method: not provided. Allele origin: germline. Inheritance: Autosomal recessive inheritance. Affected: yes.

PreventionGenetics, part of Exact Sciences
Classification: Likely benign for ELMOD3-related condition. Last evaluated: 2022-09-29. Review status: no assertion criteria provided. Collection method: clinical testing. Allele origin: germline. Not counted in ClinVar's aggregate classification.
Comment: This variant is classified as likely benign based on ACMG/AMP sequence variant interpretation guidelines (Richards et al. 2015 PMID: 25741868, with internal and published modifications).